The following is an entry in ClinVar:

NM_033380.3(COL4A5):c.801dup (p.Pro268fs)

Gene: COL4A5 (collagen type IV alpha 5 chain; plus strand). Cytogenetic location: Xq22.3.
Variant type: Duplication.
Coding change: c.801dup on transcript NM_033380.3 (MANE Select); coding-DNA position 801, one base duplicated (G; older notation c.801dupG).
Protein change: p.Pro268fs; shifts the reading frame from proline 268.
Molecular consequence: frameshift variant.
Genome position (GRCh38, 1-based): chrX:108,580,553, G duplicated; the last of 3 consecutive G bases (chrX:108,580,551-108,580,553); duplicating any one gives the same sequence. VCF-style (leftmost placement, unchanged base first): chrX-108580550-A-AG. GRCh37 (hg19) VCF-style: chrX-107823780-A-AG.
Other names: c.801dup, p.Pro268fs (NM_000495.5); short protein forms P268fs.
Identifiers: ClinVar variation 3724380 (VCV003724380.2), dbSNP rs1569490913.

ClinVar aggregate classification (germline): Pathogenic (1 of 4 stars; one submission).

Submission:

Labcorp Genetics (formerly Invitae), Labcorp
Classification: Pathogenic. Last evaluated: 2024-06-28. Review status: criteria provided, single submitter. Criteria: Invitae Variant Classification Sherloc (09022015). Collection method: clinical testing. Allele origin: germline.
Comment: This sequence change creates a premature translational stop signal (p.Pro268Alafs*17) in the COL4A5 gene. It is expected to result in an absent or disrupted protein product. Loss-of-function variants in COL4A5 are known to be pathogenic (PMID: 9195222, 10752524, 14514738, 24854265, 26809805). This variant is not present in population databases (gnomAD no frequency). This premature translational stop signal has been observed in individual(s) with Alport syndrome (PMID: 24033287). For these reasons, this variant has been classified as Pathogenic.

Literature cited by the submitters: PubMed 9195222; PubMed 10752524; PubMed 14514738; PubMed 24854265; PubMed 26809805; PubMed 24033287.